The following is an entry in ClinVar:

NM_001146227.3(RPS20):c.336G>A (p.Leu112=)

Gene: RPS20 (ribosomal protein S20; minus strand). Cytogenetic location: 8q12.1.
Variant type: single nucleotide variant.
Coding change: c.336G>A on transcript NM_001146227.3; coding-DNA position 336, G replaced by A.
Protein change: p.Leu112=; no amino-acid change (leucine 112 retained).
Molecular consequence: synonymous variant.
Genome position (GRCh38, 1-based): chr8:56,069,831, C>T on the plus strand (G>A on the coding strand, the complement: RPS20 is on the minus strand). VCF-style: chr8-56069831-C-T. GRCh37 (hg19) VCF-style: chr8-56982390-C-T.
Identifiers: ClinVar variation 5042093 (VCV005042093.1).
Genomic context (GRCh38, chr8:56,069,831, plus strand): 5'-ACTTCTCAAAGTGTACTGCTGGCCCTCTGTATCCATGGGTTCTGCATCTGTAGATTCGAT[C>T]AACTGTAGATCAAAAGTATTCAGAAAAAAAATTGTCTCTACTGCACATGTATAGACATTC-3'

ClinVar aggregate classification (germline): Benign (1 of 4 stars; one submission).

Conditions:
Familial colorectal cancer type X. Identifiers: Orphanet 440437, MedGen C3896578, MONDO:0018604.

Submission:

Myriad Genetics, Inc.
Classification: Benign for Familial colorectal cancer type X. Last evaluated: 2026-08-04. Review status: criteria provided, single submitter. Criteria: Myriad Autosomal Dominant, Autosomal Recessive and X-Linked Classification Criteria (2023). Collection method: clinical testing. Allele origin: unknown.
Comment: This variant is considered benign. This variant is a silent/synonymous amino acid change and it is not expected to impact splicing.